The following is an entry in ClinVar:

NM_006231.4(POLE):c.2677C>G (p.Pro893Ala)

Gene: POLE (DNA polymerase epsilon, catalytic subunit; minus strand). Cytogenetic location: 12q24.33.
Variant type: single nucleotide variant.
Coding change: c.2677C>G on transcript NM_006231.4 (MANE Select); coding-DNA position 2677, C replaced by G.
Protein change: p.Pro893Ala; replaces proline 893 with alanine.
Molecular consequence: missense variant.
Genome position (GRCh38, 1-based): chr12:132,664,033, G>C on the plus strand (C>G on the coding strand, the complement: POLE is on the minus strand). VCF-style: chr12-132664033-G-C. GRCh37 (hg19) VCF-style: chr12-133240619-G-C.
Other names: short protein forms P893A.
Identifiers: ClinVar variation 958495 (VCV000958495.9), dbSNP rs2042735412, ClinGen allele CA387395186.

ClinVar aggregate classification (germline): Uncertain significance (1 of 4 stars; one submission).

Submission:

Labcorp Genetics (formerly Invitae), Labcorp
Classification: Uncertain significance. Last evaluated: 2019-08-10. Review status: criteria provided, single submitter. Criteria: Invitae Variant Classification Sherloc (09022015). Collection method: clinical testing. Allele origin: germline.
Comment: In summary, the available evidence is currently insufficient to determine the role of this variant in disease. Therefore, it has been classified as a Variant of Uncertain Significance. Algorithms developed to predict the effect of missense changes on protein structure and function (SIFT, PolyPhen-2, Align-GVGD) all suggest that this variant is likely to be disruptive, but these predictions have not been confirmed by published functional studies and their clinical significance is uncertain. This variant has not been reported in the literature in individuals with POLE-related conditions. This variant is not present in population databases (ExAC no frequency). This sequence change replaces proline with alanine at codon 893 of the POLE protein (p.Pro893Ala). The proline residue is highly conserved and there is a small physicochemical difference between proline and alanine.